The following is an entry in ClinVar:

NM_000231.3(SGCG):c.152del (p.Asn50_Leu51insTer)

Gene: SGCG (sarcoglycan gamma; plus strand). Cytogenetic location: 13q12.12.
Variant type: Deletion.
Coding change: c.152del on transcript NM_000231.3 (MANE Select); coding-DNA position 152, one base deleted (T; older notation c.152delT).
Protein change: p.Asn50_Leu51insTer.
Molecular consequence: nonsense.
Genome position (GRCh38, 1-based): chr13:23,203,846, T deleted; the last of 3 consecutive T bases (chr13:23,203,844-23,203,846); deleting any one gives the same sequence. VCF-style (leftmost placement, unchanged base first): chr13-23203843-AT-A. GRCh37 (hg19) VCF-style: chr13-23777982-AT-A.
Other names: c.152del, p.Asn50_Leu51insTer (NM_001378246.1, NM_001378245.1); c.206del, p.Asn68_Leu69insTer (NM_001378244.1).
Identifiers: ClinVar variation 3610490 (VCV003610490.2).

ClinVar aggregate classification (germline): Pathogenic (1 of 4 stars; one submission).

Conditions:
Autosomal recessive limb-girdle muscular dystrophy type 2C (LGMDR5). Also called: MUSCULAR DYSTROPHY, LIMB-GIRDLE, AUTOSOMAL RECESSIVE 5; MUSCULAR DYSTROPHY, DUCHENNE-LIKE. Identifiers: Orphanet 353, MedGen C0410173, MONDO:0009677, OMIM 253700. Disease mechanism: Affects gamma-sarcoglycan and also disrupts the integrity of the entire sarcoglycan complex..

Submission:

Labcorp Genetics (formerly Invitae), Labcorp
Classification: Pathogenic for Autosomal recessive limb-girdle muscular dystrophy type 2C. Last evaluated: 2024-02-29. Review status: criteria provided, single submitter. Criteria: Invitae Variant Classification Sherloc (09022015). Collection method: clinical testing. Allele origin: germline.
Comment: This sequence change creates a premature translational stop signal (p.Leu51*) in the SGCG gene. It is expected to result in an absent or disrupted protein product. Loss-of-function variants in SGCG are known to be pathogenic (PMID: 18285821). This variant is not present in population databases (gnomAD no frequency). This variant has not been reported in the literature in individuals affected with SGCG-related conditions. For these reasons, this variant has been classified as Pathogenic.

Literature cited by the submitters: PubMed 18285821.